The following is an entry in ClinVar:

ClinVar aggregate classification (germline): Likely pathogenic (1 of 4 stars; one submission).

Allele frequency attached by ClinVar (database versions not stated): TOPMed below 0.00001.

Submission:

Labcorp Genetics (formerly Invitae), Labcorp
Classification: Likely pathogenic. Last evaluated: 2023-07-25. Review status: criteria provided, single submitter. Criteria: Invitae Variant Classification Sherloc (09022015). Collection method: clinical testing. Allele origin: germline.
Comment: This sequence change affects a donor splice site in intron 53 of the MYO15A gene. It is expected to disrupt RNA splicing. Variants that disrupt the donor or acceptor splice site typically lead to a loss of protein function (PMID: 16199547), and loss-of-function variants in MYO15A are known to be pathogenic (PMID: 17546645). This variant is not present in population databases (gnomAD no frequency). This variant has not been reported in the literature in individuals affected with MYO15A-related conditions. Algorithms developed to predict the effect of sequence changes on RNA splicing suggest that this variant may disrupt the consensus splice site. In summary, the currently available evidence indicates that the variant is pathogenic, but additional data are needed to prove that conclusively. Therefore, this variant has been classified as Likely Pathogenic.

Literature cited by the submitters: PubMed 16199547; PubMed 17546645.

NM_016239.4(MYO15A):c.9156+1G>A

Gene: MYO15A (myosin XVA; plus strand). Cytogenetic location: 17p11.2.
Variant type: single nucleotide variant.
Coding change: c.9156+1G>A on transcript NM_016239.4 (MANE Select); the canonical splice donor site of the intron after coding-DNA position 9156, G replaced by A.
Molecular consequence: splice donor variant.
Genome position (GRCh38, 1-based): chr17:18,158,998, G>A. VCF-style: chr17-18158998-G-A. GRCh37 (hg19) VCF-style: chr17-18062312-G-A.
Identifiers: ClinVar variation 2798793 (VCV002798793.3), dbSNP rs1265200514, ClinGen allele CA398633463.